The following is an entry in ClinVar:

NM_001164665.2(KIAA1549):c.5701C>T (p.Arg1901Trp)

Gene: KIAA1549 (KIAA1549; minus strand). Cytogenetic location: 7q34.
Variant type: single nucleotide variant.
Coding change: c.5701C>T on transcript NM_001164665.2 (MANE Select); coding-DNA position 5701, C replaced by T.
Protein change: p.Arg1901Trp; replaces arginine 1901 with tryptophan.
Molecular consequence: missense variant.
Genome position (GRCh38, 1-based): chr7:138,838,058, G>A on the plus strand (C>T on the coding strand, the complement: KIAA1549 is on the minus strand). VCF-style: chr7-138838058-G-A. GRCh37 (hg19) VCF-style: chr7-138522803-G-A.
Other names: c.5653C>T, p.Arg1885Trp (NM_020910.3); short protein forms R1885W, R1901W.
Identifiers: ClinVar variation 858602 (VCV000858602.7), dbSNP rs372780314, ClinGen allele CA4505484.
Genomic context (GRCh38, chr7:138,838,058, plus strand): 5'-CAGGCTGGAGGTCTTCCGTGGAGCTGGTGGGGTAACCCAGCCCAGGGCCCTGCAGTCCCC[G>A]GTGGGGGAGGTTCCCGGAAGGAGCTGAGGGCTCCCTGCCTGAAGTCCTTGGCACCTGAAA-3'
Protein context (NP_001158137.1, residues 1891-1911): PSAPSGNLPH[Arg1901Trp]GLQGPGLGYP

ClinVar aggregate classification (germline): Uncertain significance. Review status: criteria provided, multiple submitters, no conflicts (2 of 4 stars). 3 submissions from 3 submitters: Uncertain significance (3). Last evaluated 2024-10-08.

Conditions:
Retinal dystrophy. Also called: Inherited retinal dystrophy. Identifiers: Orphanet 71862, MedGen C0854723, MeSH D058499, MONDO:0019118, HP:0000556.

Allele frequency attached by ClinVar (database versions not stated): TOPMed 0.00003; ESP Exome Variant Server 0.00008; gnomAD 0.00009 and 0.00006; 1000 Genomes Project 30x 0.00016; gnomAD exomes 0.00017 and 0.00006; 1000 Genomes Project 0.00020; ExAC 0.00027.
gnomAD v4.1: 108 of 1,596,972 alleles (0.0068%); highest among the groups gnomAD compares: South Asian, 0.074%; no homozygotes.

Submissions (3):

Blueprint Genetics
Classification: Uncertain significance. Last evaluated: 2024-10-08. Review status: criteria provided, single submitter. Criteria: ACMG Guidelines, 2015. Collection method: clinical testing. Allele origin: germline.

Dept Of Ophthalmology, Nagoya University
Classification: Uncertain significance for Retinal dystrophy. Last evaluated: 2023-10-01. Review status: criteria provided, single submitter. Criteria: Submitter's publication. Collection method: research. Allele origin: germline. Affected: yes.

Labcorp Genetics (formerly Invitae), Labcorp
Classification: Uncertain significance. Last evaluated: 2022-06-13. Review status: criteria provided, single submitter. Criteria: Invitae Variant Classification Sherloc (09022015). Collection method: clinical testing. Allele origin: germline.
Comment: This sequence change replaces arginine, which is basic and polar, with tryptophan, which is neutral and slightly polar, at codon 1901 of the KIAA1549 protein (p.Arg1901Trp). This variant is present in population databases (rs372780314, gnomAD 0.08%). This variant has not been reported in the literature in individuals affected with KIAA1549-related conditions. ClinVar contains an entry for this variant (Variation ID: 858602). Algorithms developed to predict the effect of missense changes on protein structure and function are either unavailable or do not agree on the potential impact of this missense change (SIFT: "Deleterious"; PolyPhen-2: "Probably Damaging"; Align-GVGD: "Class C0"). In summary, the available evidence is currently insufficient to determine the role of this variant in disease. Therefore, it has been classified as a Variant of Uncertain Significance.